The following is an entry in ClinVar:

ClinVar aggregate classification (germline): Likely benign (1 of 4 stars; one submission).

Allele frequency attached by ClinVar (database versions not stated): 1000 Genomes Project 30x 0.00312; 1000 Genomes Project 0.00319; TOPMed 0.00697.
gnomAD v4.1: 940 of 152,288 alleles (0.62%); highest among the groups gnomAD compares: Middle Eastern, 2.7%; 3 homozygotes.

Submission:

CeGaT Center for Human Genetics Tuebingen
Classification: Likely benign. Last evaluated: 2023-01-01. Review status: criteria provided, single submitter. Criteria: CeGaT Center For Human Genetics Tuebingen Variant Classification Criteria Version 2. Collection method: clinical testing. Allele origin: germline. Affected: yes. Observed: 2 variant alleles.
Comment: LIMS2: BS2

NM_001161403.3(LIMS2):c.359+1308C>T

Gene: LIMS2 (LIM zinc finger domain containing 2; minus strand). Cytogenetic location: 2q14.3.
Variant type: single nucleotide variant.
Coding change: c.359+1308C>T on transcript NM_001161403.3 (MANE Select); 1308 bases into the intron after coding-DNA position 359, C replaced by T.
Molecular consequence: intron variant.
Genome position (GRCh38, 1-based): chr2:127,653,116, G>A on the plus strand (C>T on the coding strand, the complement: LIMS2 is on the minus strand). VCF-style: chr2-127653116-G-A. GRCh37 (hg19) VCF-style: chr2-128410690-G-A.
Other names: c.344+1308C>T (NM_001161404.2); c.425+1308C>T (NM_001136037.4); c.431+1308C>T (NM_017980.5).
Identifiers: ClinVar variation 2651341 (VCV002651341.24), dbSNP rs139440128, ClinGen allele CA55434945.
Genomic context (GRCh38, chr2:127,653,116, plus strand): 5'-TGCACTGCACCGTCTGCCCCTCAGCCCTTCATTTAGACAAGCTGCTCAATGCCAGGCACC[G>A]CCCAGCTCCGAGGACAGTGGGCCGGACGCCAGGCCCCAGGCCACGTGCCTCTCTCACGGG-3'